The following is an entry in ClinVar:

NM_001854.4(COL11A1):c.5373G>C (p.Gln1791His)

Gene: COL11A1 (collagen type XI alpha 1 chain; minus strand). Cytogenetic location: 1p21.1.
Variant type: single nucleotide variant.
Coding change: c.5373G>C on transcript NM_001854.4 (MANE Select); coding-DNA position 5373, G replaced by C.
Protein change: p.Gln1791His; replaces glutamine 1791 with histidine.
Molecular consequence: missense variant. On other transcripts: non-coding transcript variant (1).
Genome position (GRCh38, 1-based): chr1:102,878,067, C>G on the plus strand (G>C on the coding strand, the complement: COL11A1 is on the minus strand). VCF-style: chr1-102878067-C-G. GRCh37 (hg19) VCF-style: chr1-103343623-C-G.
Other names: c.5256G>C, p.Gln1752His (NM_001190709.2); c.5409G>C, p.Gln1803His (NM_080629.3); c.5025G>C, p.Gln1675His (NM_080630.4); short protein forms Q1675H, Q1752H, Q1791H, Q1803H.
Identifiers: ClinVar variation 4869071 (VCV004869071.1).

ClinVar aggregate classification (germline): Uncertain significance (1 of 4 stars; one submission).

Conditions:
Inborn genetic diseases. Identifiers: MedGen C0950123, MeSH D030342.

gnomAD v4.1: 16 of 1,613,622 alleles (0.00099%); highest among the groups gnomAD compares: Non-Finnish European, 0.0014%; no homozygotes.

Submission:

Ambry Genetics
Classification: Uncertain significance for Inborn genetic diseases. Last evaluated: 2026-04-08. Review status: criteria provided, single submitter. Criteria: Ambry Variant Classification Scheme 2023. Collection method: clinical testing. Allele origin: germline.
Comment: The c.5373G>C (p.Q1791H) alteration is located in exon 67 (coding exon 67) of the COL11A1 gene. This alteration results from a G to C substitution at nucleotide position 5373, causing the glutamine (Q) at amino acid position 1791 to be replaced by a histidine (H). Based on data from gnomAD, the C allele has an overall frequency of <0.001% (1/250954) total alleles studied. The highest observed frequency was 0.001% (1/113342) of European (non-Finnish) alleles. Based on insufficient or conflicting evidence, the clinical significance of this alteration remains unclear.